The following is an entry in ClinVar:

NM_000257.4(MYH7):c.2486G>C (p.Trp829Ser)

Genes: MYH7 (myosin heavy chain 7; minus strand), LOC126861898 (BRD4-independent group 4 enhancer GRCh37_chr14:23893609-23894808; plus strand). Cytogenetic location: 14q11.2.
Variant type: single nucleotide variant.
Coding change: c.2486G>C on transcript NM_000257.4 (MANE Select); coding-DNA position 2486, G replaced by C.
Protein change: p.Trp829Ser; replaces tryptophan 829 with serine.
Molecular consequence: missense variant.
Genome position (GRCh38, 1-based): chr14:23,424,962, C>G on the plus strand (G>C on the coding strand, the complement: MYH7 is on the minus strand). VCF-style: chr14-23424962-C-G. GRCh37 (hg19) VCF-style: chr14-23894171-C-G.
Other names: c.2486G>C, p.Trp829Ser (NM_001407004.1); short protein forms W829S.
Identifiers: ClinVar variation 4801940 (VCV004801940.1).

ClinVar aggregate classification (germline): Uncertain significance (1 of 4 stars; one submission).

Conditions:
Hypertrophic cardiomyopathy. Also called: HYPERTROPHIC MYOCARDIOPATHY. Identifiers: Orphanet 217569, MedGen C0007194, MeSH D002312, MONDO:0005045, HP:0001639.

Submission:

Labcorp Genetics (formerly Invitae), Labcorp
Classification: Uncertain significance for Hypertrophic cardiomyopathy. Last evaluated: 2025-09-14. Review status: criteria provided, single submitter. Criteria: Invitae Variant Classification Sherloc (09022015). Collection method: clinical testing. Allele origin: germline.
Comment: This sequence change replaces tryptophan, which is neutral and slightly polar, with serine, which is neutral and polar, at codon 829 of the MYH7 protein (p.Trp829Ser). This variant is not present in population databases (gnomAD no frequency). This variant has not been reported in the literature in individuals affected with MYH7-related conditions. Invitae Evidence Modeling of protein sequence and biophysical properties (such as structural, functional, and spatial information, amino acid conservation, physicochemical variation, residue mobility, and thermodynamic stability) indicates that this missense variant is expected to disrupt MYH7 protein function with a positive predictive value of 95%. In summary, the available evidence is currently insufficient to determine the role of this variant in disease. Therefore, it has been classified as a Variant of Uncertain Significance.